The following is an entry in ClinVar:

ClinVar aggregate classification (germline): Uncertain significance (1 of 4 stars; one submission).

gnomAD v4.1: 2 of 1,614,052 alleles (0.00012%); highest among the groups gnomAD compares: Non-Finnish European, 0.00017%; no homozygotes.

Submission:

Labcorp Genetics (formerly Invitae), Labcorp
Classification: Uncertain significance. Last evaluated: 2024-05-21. Review status: criteria provided, single submitter. Criteria: Invitae Variant Classification Sherloc (09022015). Collection method: clinical testing. Allele origin: germline.
Comment: This sequence change replaces valine, which is neutral and non-polar, with isoleucine, which is neutral and non-polar, at codon 771 of the SLC12A6 protein (p.Val771Ile). This variant is present in population databases (no rsID available, gnomAD 0.0009%). This variant has not been reported in the literature in individuals affected with SLC12A6-related conditions. Advanced modeling of protein sequence and biophysical properties (such as structural, functional, and spatial information, amino acid conservation, physicochemical variation, residue mobility, and thermodynamic stability) performed at Invitae indicates that this missense variant is not expected to disrupt SLC12A6 protein function with a negative predictive value of 80%. In summary, the available evidence is currently insufficient to determine the role of this variant in disease. Therefore, it has been classified as a Variant of Uncertain Significance.

NM_001365088.1(SLC12A6):c.2311G>A (p.Val771Ile)

Gene: SLC12A6 (solute carrier family 12 member 6; minus strand). Cytogenetic location: 15q14.
Variant type: single nucleotide variant.
Coding change: c.2311G>A on transcript NM_001365088.1 (MANE Select); coding-DNA position 2311, G replaced by A.
Protein change: p.Val771Ile; replaces valine 771 with isoleucine.
Molecular consequence: missense variant.
Genome position (GRCh38, 1-based): chr15:34,240,786, C>T on the plus strand (G>A on the coding strand, the complement: SLC12A6 is on the minus strand). VCF-style: chr15-34240786-C-T. GRCh37 (hg19) VCF-style: chr15-34532987-C-T.
Other names: c.2158G>A, p.Val720Ile (NM_005135.2); c.2311G>A, p.Val771Ile (NM_133647.2); c.2134G>A, p.Val712Ile (NM_001042494.2, NM_001042495.2); c.2284G>A, p.Val762Ile (NM_001042496.2); c.2266G>A, p.Val756Ile (NM_001042497.2); short protein forms V720I, V756I, V762I, V771I, V712I.
Identifiers: ClinVar variation 3677548 (VCV003677548.2).